The following is an entry in ClinVar:

ClinVar aggregate classification (germline): Pathogenic/Likely pathogenic. Review status: criteria provided, multiple submitters, no conflicts (2 of 4 stars). 3 submissions from 3 submitters: Pathogenic (2); Likely pathogenic (1). Last evaluated 2025-04-16.

Conditions:
Intellectual disability. Also called: Intellectual functioning disability; intellectual disabilities; Intellectual developmental disorder. Identifiers: MedGen C3714756, MeSH D008607, MONDO:0001071, HP:0001249.
Epilepsy, childhood absence, susceptibility to, 1. Also called: Epilepsy, childhood absence 1. Identifiers: Orphanet 64280, MedGen C1838604, MONDO:0020759, OMIM 600131.
Epilepsy, childhood absence, susceptibility to, 5. Identifiers: Orphanet 64280, MedGen C2677087, MONDO:0012843, OMIM 612269.

Submissions (3):

GeneDx
Classification: Pathogenic. Last evaluated: 2025-04-16. Review status: criteria provided, single submitter. Criteria: GeneDx Variant Classification Process June 2021. Collection method: clinical testing. Allele origin: germline. Affected: yes.
Comment: Published functional studies demonstrate a damaging effect with significant decrease in GABA sensitivity and current amplitude in comparison to wild type (PMID: 35383156); In silico analysis supports that this missense variant has a deleterious effect on protein structure/function; Not observed at significant frequency in large population cohorts (gnomAD); This variant is associated with the following publications: (PMID: 28544625, 29661262, 32945607, 35359639, 35605087, 34906499, 35359574, 38232560, 32319641, 31440721, 34698933, 35718920, 38136660, 28053010, 38014242, 31435640, 35383156)

Diagnostic Laboratory, Strasbourg University Hospital
Classification: Likely pathogenic for Intellectual disability. Last evaluated: 2020-09-10. Review status: criteria provided, single submitter. Criteria: ACMG Guidelines, 2015. Collection method: clinical testing. Allele origin: de novo. Affected: yes. Observed: 2 heterozygotes.

Labcorp Genetics (formerly Invitae), Labcorp
Classification: Pathogenic for Epilepsy, childhood absence, susceptibility to, 5; Epilepsy, childhood absence, susceptibility to, 1. Last evaluated: 2019-09-28. Review status: criteria provided, single submitter. Criteria: Invitae Variant Classification Sherloc (09022015). Collection method: clinical testing. Allele origin: germline.
Comment: This sequence change replaces arginine with glutamine at codon 232 of the GABRB3 protein (p.Arg232Gln). The arginine residue is highly conserved and there is a small physicochemical difference between arginine and glutamine. For these reasons, this variant has been classified as Pathogenic. Algorithms developed to predict the effect of missense changes on protein structure and function (SIFT, PolyPhen-2, Align-GVGD) all suggest that this variant is likely to be disruptive, but these predictions have not been confirmed by published functional studies and their clinical significance is uncertain. This variant has been observed to be de novo in individuals affected with Dravet syndrome (PMID: 28544625) and early onset treatable multifocal epilepsy with moderate intellectual disability (PMID: 28053010). ClinVar contains an entry for this variant (Variation ID: 393256). This variant is not present in population databases (ExAC no frequency).

Literature cited by the submitters: PubMed 28544625 (cited by Labcorp Genetics (formerly Invitae), Labcorp); PubMed 28053010 (cited by Labcorp Genetics (formerly Invitae), Labcorp).

NM_000814.6(GABRB3):c.695G>A (p.Arg232Gln)

Gene: GABRB3 (gamma-aminobutyric acid type A receptor subunit beta3; minus strand). Cytogenetic location: 15q12.
Variant type: single nucleotide variant.
Coding change: c.695G>A on transcript NM_000814.6 (MANE Select); coding-DNA position 695, G replaced by A.
Protein change: p.Arg232Gln; replaces arginine 232 with glutamine.
Molecular consequence: missense variant.
Genome position (GRCh38, 1-based): chr15:26,567,721, C>T on the plus strand (G>A on the coding strand, the complement: GABRB3 is on the minus strand). VCF-style: chr15-26567721-C-T. GRCh37 (hg19) VCF-style: chr15-26812868-C-T.
Other names: c.440G>A, p.Arg147Gln (NM_001191320.2, NM_001278631.2); c.482G>A, p.Arg161Gln (NM_001191321.3); c.695G>A, p.Arg232Gln (NM_021912.5); short protein forms R232Q, R147Q, R161Q.
Identifiers: ClinVar variation 393256 (VCV000393256.15), dbSNP rs797045045, ClinGen allele CA16607760.